The following is an entry in ClinVar:

ClinVar aggregate classification (germline): Pathogenic (1 of 4 stars; one submission).

Conditions:
Glycogen storage disease IXb (GSD9B). Also called: PHOSPHORYLASE KINASE DEFICIENCY OF LIVER AND MUSCLE, AUTOSOMAL RECESSIVE; GLYCOGENOSIS OF LIVER AND MUSCLE, AUTOSOMAL RECESSIVE; GSD IXb. Identifiers: Orphanet 79240, MedGen C0543514, MONDO:0009868, OMIM 261750.

Submission:

Labcorp Genetics (formerly Invitae), Labcorp
Classification: Pathogenic for Glycogen storage disease IXb. Last evaluated: 2023-06-14. Review status: criteria provided, single submitter. Criteria: Invitae Variant Classification Sherloc (09022015). Collection method: clinical testing. Allele origin: germline.
Comment: Algorithms developed to predict the effect of sequence changes on RNA splicing suggest that this variant may disrupt the consensus splice site. This variant has not been reported in the literature in individuals affected with PHKB-related conditions. This variant is not present in population databases (gnomAD no frequency). This sequence change creates a premature translational stop signal (p.Lys57Asnfs*16) in the PHKB gene. It is expected to result in an absent or disrupted protein product. Loss-of-function variants in PHKB are known to be pathogenic (PMID: 9215682, 9326319). For these reasons, this variant has been classified as Pathogenic.

Literature cited by the submitters: PubMed 9215682; PubMed 9326319.

NC_000016.10:g.47499755GTCAA[1]

Genes: PHKB (phosphorylase kinase regulatory subunit beta; plus strand), LOC112449713 (Sharpr-MPRA regulatory region 10524; plus strand). Cytogenetic location: 16q12.1.
Variant type: Microsatellite.
Genome position: GRCh38 VCF-style: chr16-47499753-CAGTCA-C. GRCh37 (hg19) VCF-style: chr16-47533664-CAGTCA-C.
Identifiers: ClinVar variation 2715371 (VCV002715371.3), dbSNP rs2548335901, ClinGen allele CA2697555803.